The following is an entry in ClinVar:

NM_002055.5(GFAP):c.34C>T (p.Arg12Cys)

Gene: GFAP (glial fibrillary acidic protein; minus strand). Cytogenetic location: 17q21.31.
Variant type: single nucleotide variant.
Coding change: c.34C>T on transcript NM_002055.5 (MANE Select); coding-DNA position 34, C replaced by T.
Protein change: p.Arg12Cys; replaces arginine 12 with cysteine.
Molecular consequence: missense variant.
Genome position (GRCh38, 1-based): chr17:44,915,453, G>A on the plus strand (C>T on the coding strand, the complement: GFAP is on the minus strand). VCF-style: chr17-44915453-G-A. GRCh37 (hg19) VCF-style: chr17-42992821-G-A.
Other names: c.34C>T, p.Arg12Cys (NM_001131019.3, NM_001242376.3, NM_001363846.2); short protein forms R12C.
Identifiers: ClinVar variation 2345628 (VCV002345628.5), dbSNP rs375692636, ClinGen allele CA8609127.

ClinVar aggregate classification (germline): Conflicting classifications of pathogenicity. Review status: criteria provided, conflicting classifications (1 of 4 stars). 2 submissions from 2 submitters: Uncertain significance (1); Likely benign (1). Last evaluated 2024-08-29.

Conditions:
Inborn genetic diseases. Identifiers: MedGen C0950123, MeSH D030342.

Allele frequency attached by ClinVar (database versions not stated): gnomAD 0.00004; ESP Exome Variant Server 0.00008; ExAC 0.00016.
gnomAD v4.1: 42 of 1,602,536 alleles (0.0026%); highest among the groups gnomAD compares: Non-Finnish European, 0.0033%; no homozygotes.

Submissions (2):

Labcorp Genetics (formerly Invitae), Labcorp
Classification: Uncertain significance. Last evaluated: 2024-08-29. Review status: criteria provided, single submitter. Criteria: Invitae Variant Classification Sherloc (09022015). Collection method: clinical testing. Allele origin: germline.
Comment: This sequence change replaces arginine, which is basic and polar, with cysteine, which is neutral and slightly polar, at codon 12 of the GFAP protein (p.Arg12Cys). This variant is present in population databases (rs375692636, gnomAD 0.02%). This variant has not been reported in the literature in individuals affected with GFAP-related conditions. ClinVar contains an entry for this variant (Variation ID: 2345628). Invitae Evidence Modeling of protein sequence and biophysical properties (such as structural, functional, and spatial information, amino acid conservation, physicochemical variation, residue mobility, and thermodynamic stability) has been performed for this missense variant. However, the output from this modeling did not meet the statistical confidence thresholds required to predict the impact of this variant on GFAP protein function. In summary, the available evidence is currently insufficient to determine the role of this variant in disease. Therefore, it has been classified as a Variant of Uncertain Significance.

Ambry Genetics
Classification: Likely benign for Inborn genetic diseases. Last evaluated: 2022-12-28. Review status: criteria provided, single submitter. Criteria: Ambry Variant Classification Scheme 2023. Collection method: clinical testing. Allele origin: germline.